The following is an entry in ClinVar:

ClinVar aggregate classification (germline): Uncertain significance (0 of 4 stars; one submission).

Conditions:
Sitosterolemia (STSL). Also called: PHYTOSTEROLEMIA. Identifiers: Orphanet 2882, MedGen C0342907, MONDO:0008863.

gnomAD v4.1: 3 of 1,613,910 alleles (0.00019%); highest among the groups gnomAD compares: South Asian, 0.0033%; no homozygotes.

Submission:

Amrita Institute of Medical Sciences and Research Centre, Amrita Vishwa Vidyapeetham
Classification: Uncertain significance for Sitosterolemia. Last evaluated: 2023-08-03. Review status: no assertion criteria provided. Collection method: clinical testing. Allele origin: germline. Affected: yes.
Comment: This is a novel mutation in exon 9 of ABCG8 gene. Polyphen2/ SIFT/LRT proved to be deleterious.

NM_022437.3(ABCG8):c.1226A>C (p.Asn409Thr)

Gene: ABCG8 (ATP binding cassette subfamily G member 8; plus strand). Cytogenetic location: 2p21.
Variant type: single nucleotide variant.
Coding change: c.1226A>C on transcript NM_022437.3 (MANE Select); coding-DNA position 1226, A replaced by C.
Protein change: p.Asn409Thr; replaces asparagine 409 with threonine.
Molecular consequence: missense variant.
Genome position (GRCh38, 1-based): chr2:43,873,801, A>C. VCF-style: chr2-43873801-A-C. GRCh37 (hg19) VCF-style: chr2-44100940-A-C.
Other names: c.1223A>C, p.Asn408Thr (NM_001357321.2); short protein forms N408T, N409T.
Identifiers: ClinVar variation 3340083 (VCV003340083.1).